The following is an entry in ClinVar:

ClinVar aggregate classification (germline): Uncertain significance. Review status: criteria provided, multiple submitters, no conflicts (2 of 4 stars). 2 submissions from 2 submitters: Uncertain significance (2). Last evaluated 2024-08-19.

Allele frequency attached by ClinVar (database versions not stated): gnomAD 0.00003; TOPMed 0.00003.
gnomAD v4.1: 11 of 1,612,342 alleles (0.00068%); highest among the groups gnomAD compares: Admixed American, 0.017%; no homozygotes.

Submissions (2):

Ambry Genetics
Classification: Uncertain significance. Last evaluated: 2024-08-19. Review status: criteria provided, single submitter. Criteria: Ambry Variant Classification Scheme 2023. Collection method: clinical testing. Allele origin: germline.
Comment: The p.W739C variant (also known as c.2217G>C), located in coding exon 18 of the A2ML1 gene, results from a G to C substitution at nucleotide position 2217. The tryptophan at codon 739 is replaced by cysteine, an amino acid with highly dissimilar properties. This amino acid position is conserved. In addition, this alteration is predicted to be deleterious by in silico analysis. Based on the available evidence, the clinical significance of this variant remains unclear.

Labcorp Genetics (formerly Invitae), Labcorp
Classification: Uncertain significance. Last evaluated: 2023-06-23. Review status: criteria provided, single submitter. Criteria: Invitae Variant Classification Sherloc (09022015). Collection method: clinical testing. Allele origin: germline.
Comment: In summary, the available evidence is currently insufficient to determine the role of this variant in disease. Therefore, it has been classified as a Variant of Uncertain Significance. An algorithm developed to predict the effect of missense changes on protein structure and function (PolyPhen-2) suggests that this variant is likely to be disruptive. ClinVar contains an entry for this variant (Variation ID: 2251913). This variant has not been reported in the literature in individuals affected with A2ML1-related conditions. This variant is present in population databases (rs765323007, gnomAD 0.02%). This sequence change replaces tryptophan, which is neutral and slightly polar, with cysteine, which is neutral and slightly polar, at codon 739 of the A2ML1 protein (p.Trp739Cys).

NM_144670.6(A2ML1):c.2217G>C (p.Trp739Cys)

Gene: A2ML1 (alpha-2-macroglobulin like 1; plus strand). Cytogenetic location: 12p13.31.
Variant type: single nucleotide variant.
Coding change: c.2217G>C on transcript NM_144670.6 (MANE Select); coding-DNA position 2217, G replaced by C.
Protein change: p.Trp739Cys; replaces tryptophan 739 with cysteine.
Molecular consequence: missense variant.
Genome position (GRCh38, 1-based): chr12:8,850,257, G>C. VCF-style: chr12-8850257-G-C. GRCh37 (hg19) VCF-style: chr12-9002853-G-C.
Other names: c.744G>C, p.Trp248Cys (NM_001282424.3); short protein forms W248C, W739C.
Identifiers: ClinVar variation 2251913 (VCV002251913.6), dbSNP rs765323007, ClinGen allele CA6435939.